The following is an entry in ClinVar:

NM_001868.4(CPA1):c.461G>C (p.Gly154Ala)

Gene: CPA1 (carboxypeptidase A1; plus strand). Cytogenetic location: 7q32.2.
Variant type: single nucleotide variant.
Coding change: c.461G>C on transcript NM_001868.4 (MANE Select); coding-DNA position 461, G replaced by C.
Protein change: p.Gly154Ala; replaces glycine 154 with alanine.
Molecular consequence: missense variant.
Genome position (GRCh38, 1-based): chr7:130,382,187, G>C. VCF-style: chr7-130382187-G-C. GRCh37 (hg19) VCF-style: chr7-130022028-G-C.
Other names: short protein forms G154A.
Identifiers: ClinVar variation 3496220 (VCV003496220.1).
Genomic context (GRCh38, chr7:130,382,187, plus strand): 5'-TGCTGGTGGCGGAGAACCCGCACCTTGTCAGCAAGATCCAGATTGGCAACACCTATGAAG[G>C]GCGTCCCATTTACGTGCTGAAGGTAACATCCACATGTGGACATACACAGGGGAGAATGGA-3'
Protein context (NP_001859.1, residues 144-164): SKIQIGNTYE[Gly154Ala]RPIYVLKFST

ClinVar aggregate classification (germline): Uncertain significance (1 of 4 stars; one submission).

Conditions:
Hereditary pancreatitis (PCTT). Also called: Hereditary chronic pancreatitis; PRSS1-Related Hereditary Pancreatitis. Identifiers: Orphanet 676, MedGen C0238339, MONDO:0008185, OMIM 167800.

gnomAD v4.1: 1 of 1,614,146 alleles (0.000062%); highest among the groups gnomAD compares: Non-Finnish European, 0.000085%; no homozygotes.

Submission:

Ambry Genetics
Classification: Uncertain significance for Hereditary pancreatitis. Last evaluated: 2024-10-29. Review status: criteria provided, single submitter. Criteria: Ambry Variant Classification Scheme 2023. Collection method: clinical testing. Allele origin: germline.
Comment: The p.G154A variant (also known as c.461G>C), located in coding exon 4 of the CPA1 gene, results from a G to C substitution at nucleotide position 461. The glycine at codon 154 is replaced by alanine, an amino acid with similar properties. This amino acid position is conserved. In addition, this alteration is predicted to be tolerated by in silico analysis. Based on the available evidence, the clinical significance of this variant remains unclear.